The following is an entry in ClinVar:

ClinVar aggregate classification (germline): Uncertain significance (1 of 4 stars; one submission).

Conditions:
Neuropathy, hereditary sensory and autonomic, type 2A (HSAN2A). Also called: MORVAN DISEASE; NEUROPATHY, CONGENITAL SENSORY; NEUROPATHY, HEREDITARY SENSORY RADICULAR, AUTOSOMAL RECESSIVE; NEUROPATHY, HEREDITARY SENSORY, TYPE IIA; NEUROPATHY, PROGRESSIVE SENSORY, OF CHILDREN; ACROOSTEOLYSIS, GIACCAI TYPE. Identifiers: Orphanet 970, MedGen C2752089, MONDO:0024309, OMIM 201300.
Generalized epilepsy with febrile seizures plus, type 7 (GEFSP7). Also called: GEFS+, TYPE 7. Identifiers: Orphanet 36387, MedGen C2751778, MONDO:0013470, OMIM 613863.

Submission:

Labcorp Genetics (formerly Invitae), Labcorp
Classification: Uncertain significance for Neuropathy, hereditary sensory and autonomic, type 2A; Generalized epilepsy with febrile seizures plus, type 7. Last evaluated: 2024-04-24. Review status: criteria provided, single submitter. Criteria: Invitae Variant Classification Sherloc (09022015). Collection method: clinical testing. Allele origin: germline.
Comment: This sequence change replaces arginine, which is basic and polar, with lysine, which is basic and polar, at codon 1282 of the SCN9A protein (p.Arg1282Lys). This variant is not present in population databases (gnomAD no frequency). This variant has not been reported in the literature in individuals affected with SCN9A-related conditions. Advanced modeling of protein sequence and biophysical properties (such as structural, functional, and spatial information, amino acid conservation, physicochemical variation, residue mobility, and thermodynamic stability) performed at Invitae indicates that this missense variant is not expected to disrupt SCN9A protein function with a negative predictive value of 95%. In summary, the available evidence is currently insufficient to determine the role of this variant in disease. Therefore, it has been classified as a Variant of Uncertain Significance.

NM_001365536.1(SCN9A):c.3878G>A (p.Arg1293Lys)

Genes: SCN1A-AS1 (SCN1A and SCN9A antisense RNA 1; plus strand), SCN9A (sodium voltage-gated channel alpha subunit 9; minus strand). Cytogenetic location: 2q24.3.
Variant type: single nucleotide variant.
Coding change: c.3878G>A on transcript NM_001365536.1 (MANE Select); coding-DNA position 3878, G replaced by A.
Protein change: p.Arg1293Lys; replaces arginine 1293 with lysine.
Molecular consequence: missense variant.
Genome position (GRCh38, 1-based): chr2:166,233,386, C>T on the plus strand (G>A on the coding strand, the complement: SCN9A is on the minus strand). VCF-style: chr2-166233386-C-T. GRCh37 (hg19) VCF-style: chr2-167089896-C-T.
Other names: c.3845G>A, p.Arg1282Lys (NM_002977.4); short protein forms R1282K, R1293K.
Identifiers: ClinVar variation 3751253 (VCV003751253.2).